The following is an entry in ClinVar:

ClinVar aggregate classification (germline): Uncertain significance. Review status: criteria provided, multiple submitters, no conflicts (2 of 4 stars). 2 submissions from 2 submitters: Uncertain significance (2). Last evaluated 2024-06-26.

Conditions:
Coenzyme Q10 deficiency, primary, 1. Also called: UBIQUINONE DEFICIENCY 1; COENZYME Q DEFICIENCY 1; CoQ DEFICIENCY 1. Identifiers: Orphanet 255249, MedGen C3551954, MONDO:0011829, OMIM 607426.

Allele frequency attached by ClinVar (database versions not stated): gnomAD exomes below 0.00001; TOPMed below 0.00001; gnomAD 0.00001.
gnomAD v4.1: 3 of 1,594,294 alleles (0.00019%); highest among the groups gnomAD compares: South Asian, 0.0023%; no homozygotes.

Submissions (2):

GeneDx
Classification: Uncertain significance. Last evaluated: 2024-06-26. Review status: criteria provided, single submitter. Criteria: GeneDx Variant Classification Process June 2021. Collection method: clinical testing. Allele origin: germline. Affected: yes.
Comment: Not observed at significant frequency in large population cohorts (gnomAD); In silico analysis supports that this missense variant has a deleterious effect on protein structure/function; Has not been previously published as pathogenic or benign to our knowledge

Institute of Human Genetics, University of Goettingen
Classification: Uncertain significance for Coenzyme Q10 deficiency, primary, 1. Last evaluated: 2021-04-26. Review status: criteria provided, single submitter. Criteria: ACMG Guidelines, 2015. Collection method: clinical testing. Allele origin: germline. Inheritance: Autosomal recessive inheritance. Affected: yes.

Literature cited by the submitters: PubMed 12682339 (cited by Institute of Human Genetics, University of Goettingen).

NM_001358921.2(COQ2):c.298G>A (p.Ala100Thr)

Gene: COQ2 (coenzyme Q2, polyprenyltransferase; minus strand). Cytogenetic location: 4q21.23.
Variant type: single nucleotide variant.
Coding change: c.298G>A on transcript NM_001358921.2 (MANE Select); coding-DNA position 298, G replaced by A.
Protein change: p.Ala100Thr; replaces alanine 100 with threonine.
Molecular consequence: missense variant.
Genome position (GRCh38, 1-based): chr4:83,279,070, C>T on the plus strand (G>A on the coding strand, the complement: COQ2 is on the minus strand). VCF-style: chr4-83279070-C-T. GRCh37 (hg19) VCF-style: chr4-84200223-C-T.
Other names: c.448G>A (NM_015697.7); c.448G>A, p.Ala150Thr (NM_015697.9); short protein forms A100T, A150T.
Identifiers: ClinVar variation 3063569 (VCV003063569.3), dbSNP rs1735251502, ClinGen allele CA357230671.
Genomic context (GRCh38, chr4:83,279,070, plus strand): 5'-TAGCTCCAGTGCCAAAGAGGGAGAGCATGTACCAATCTGGAAAACAACCTGGTTCAGCTG[C>T]CAAACCAATGCTCCAGGTACATGGTAAATACAGAAGCCAGGTTCCTAAGCAAAAATAAAA-3'
Protein context (NP_001345850.1, residues 90-110): YLPCTWSIGL[Ala100Thr]AEPGCFPDWY